The following is an entry in ClinVar:

NM_006206.6(PDGFRA):c.1792G>A (p.Val598Ile)

Gene: PDGFRA (platelet derived growth factor receptor alpha; plus strand). Cytogenetic location: 4q12.
Variant type: single nucleotide variant.
Coding change: c.1792G>A on transcript NM_006206.6 (MANE Select); coding-DNA position 1792, G replaced by A.
Protein change: p.Val598Ile; replaces valine 598 with isoleucine.
Molecular consequence: missense variant.
Genome position (GRCh38, 1-based): chr4:54,277,393, G>A. VCF-style: chr4-54277393-G-A. GRCh37 (hg19) VCF-style: chr4-55143560-G-A.
Other names: c.1792G>A, p.Val598Ile (NM_001347827.2, NM_001347829.2); c.1867G>A, p.Val623Ile (NM_001347828.2); c.1831G>A, p.Val611Ile (NM_001347830.2); short protein forms V598I, V623I, V611I.
Identifiers: ClinVar variation 1035452 (VCV001035452.10), dbSNP rs1723796497, ClinGen allele CA356893334.

ClinVar aggregate classification (germline): Uncertain significance. Review status: criteria provided, multiple submitters, no conflicts (2 of 4 stars). 2 submissions from 2 submitters: Uncertain significance (2). Last evaluated 2023-05-26.

Conditions:
Gastrointestinal stromal tumor. Also called: Gastrointestinal stromal tumor, somatic; Gastrointestinal stroma tumor. Identifiers: Orphanet 44890, MedGen C0238198, MeSH D046152, MONDO:0011719, OMIM 606764, HP:0100723.
Polyps, multiple and recurrent inflammatory fibroid, gastrointestinal. Identifiers: MedGen C5193005, MONDO:0008285, OMIM 175510.

Submissions (2):

Baylor Genetics
Classification: Uncertain significance for Polyps, multiple and recurrent inflammatory fibroid, gastrointestinal. Last evaluated: 2023-05-26. Review status: criteria provided, single submitter. Criteria: ACMG Guidelines, 2015. Collection method: clinical testing. Allele origin: unknown.

Labcorp Genetics (formerly Invitae), Labcorp
Classification: Uncertain significance for Gastrointestinal stromal tumor. Last evaluated: 2022-03-11. Review status: criteria provided, single submitter. Criteria: Invitae Variant Classification Sherloc (09022015). Collection method: clinical testing. Allele origin: germline.
Comment: In summary, the available evidence is currently insufficient to determine the role of this variant in disease. Therefore, it has been classified as a Variant of Uncertain Significance. Algorithms developed to predict the effect of missense changes on protein structure and function output the following: SIFT: "Tolerated"; PolyPhen-2: "Benign"; Align-GVGD: "Class C0". The isoleucine amino acid residue is found in multiple mammalian species, which suggests that this missense change does not adversely affect protein function. ClinVar contains an entry for this variant (Variation ID: 1035452). This variant has not been reported in the literature in individuals affected with PDGFRA-related conditions. This variant is not present in population databases (gnomAD no frequency). This sequence change replaces valine, which is neutral and non-polar, with isoleucine, which is neutral and non-polar, at codon 598 of the PDGFRA protein (p.Val598Ile).